The following is an entry in ClinVar:

ClinVar aggregate classification (germline): Uncertain significance (1 of 4 stars; one submission).

Conditions:
Combined immunodeficiency due to OX40 deficiency. Also called: Immunodeficiency 16; OX40 DEFICIENCY. Identifiers: Orphanet 431149, MedGen C3810053, MONDO:0014268, OMIM 615593.

Allele frequency attached by ClinVar (database versions not stated): gnomAD exomes below 0.00001.
gnomAD v4.1: 3 of 1,605,066 alleles (0.00019%); highest among the groups gnomAD compares: Non-Finnish European, 0.00017%; no homozygotes.

Submission:

Labcorp Genetics (formerly Invitae), Labcorp
Classification: Uncertain significance for Combined immunodeficiency due to OX40 deficiency. Last evaluated: 2025-07-30. Review status: criteria provided, single submitter. Criteria: Invitae Variant Classification Sherloc (09022015). Collection method: clinical testing. Allele origin: germline.
Comment: This sequence change replaces cysteine, which is neutral and slightly polar, with tyrosine, which is neutral and polar, at codon 42 of the TNFRSF4 protein (p.Cys42Tyr). This variant is not present in population databases (gnomAD no frequency). This variant has not been reported in the literature in individuals affected with TNFRSF4-related conditions. ClinVar contains an entry for this variant (Variation ID: 2148002). Invitae Evidence Modeling of protein sequence and biophysical properties (such as structural, functional, and spatial information, amino acid conservation, physicochemical variation, residue mobility, and thermodynamic stability) indicates that this missense variant is expected to disrupt TNFRSF4 protein function with a positive predictive value of 80%. In summary, the available evidence is currently insufficient to determine the role of this variant in disease. Therefore, it has been classified as a Variant of Uncertain Significance.

NM_003327.4(TNFRSF4):c.125G>A (p.Cys42Tyr)

Gene: TNFRSF4 (TNF receptor superfamily member 4; minus strand). Cytogenetic location: 1p36.33.
Variant type: single nucleotide variant.
Coding change: c.125G>A on transcript NM_003327.4 (MANE Select); coding-DNA position 125, G replaced by A.
Protein change: p.Cys42Tyr; replaces cysteine 42 with tyrosine.
Molecular consequence: missense variant.
Genome position (GRCh38, 1-based): chr1:1,214,003, C>T on the plus strand (G>A on the coding strand, the complement: TNFRSF4 is on the minus strand). VCF-style: chr1-1214003-C-T. GRCh37 (hg19) VCF-style: chr1-1149383-C-T.
Other names: c.125G>A, p.Cys42Tyr (NM_001410709.1); short protein forms C42Y.
Identifiers: ClinVar variation 2148002 (VCV002148002.4), dbSNP rs2521781280, ClinGen allele CA337802612.
Genomic context (GRCh38, chr1:1,214,003, plus strand): 5'-CTGGAGTGCCCGTGCGTGGCGACCCCTCCTGAGGCCTCACCTGGCCTGCACTCGTGGCAG[C>T]ACCGGTCGTTGCTGGGGTAGGTGTCCCCGACACAGTGGAGCCCCGTCACGGTGCTCAGCC-3'
Protein context (NP_003318.1, residues 32-52): VGDTYPSNDR[Cys42Tyr]CHECRPGNGM